The following is an entry in ClinVar:

NM_018975.4(TERF2IP):c.209C>T (p.Ala70Val)

Gene: TERF2IP (TERF2 interacting protein; plus strand). Cytogenetic location: 16q23.1.
Variant type: single nucleotide variant.
Coding change: c.209C>T on transcript NM_018975.4 (MANE Select); coding-DNA position 209, C replaced by T.
Protein change: p.Ala70Val; replaces alanine 70 with valine.
Molecular consequence: missense variant. On other transcripts: non-coding transcript variant (1).
Genome position (GRCh38, 1-based): chr16:75,648,091, C>T. VCF-style: chr16-75648091-C-T. GRCh37 (hg19) VCF-style: chr16-75681989-C-T.
Other names: short protein forms A70V.
Identifiers: ClinVar variation 1785856 (VCV001785856.2), dbSNP rs1276474248, ClinGen allele CA396817443.
Genomic context (GRCh38, chr16:75,648,091, plus strand): 5'-GCGGCACCGTGTGCCGAGTGCAGGAGCCCGGGGCCGTGCTGCTGGCCCAGCCCGGGGAGG[C>T]GCTGGCCGAGGCCTCGGGTGATTTCATCTCCACGCAGTACATCCTGGACTGCGTGGAGCG-3'
Protein context (NP_061848.2, residues 60-80): GAVLLAQPGE[Ala70Val]LAEASGDFIS

ClinVar aggregate classification (germline): Uncertain significance (1 of 4 stars; one submission).

Allele frequency attached by ClinVar (database versions not stated): gnomAD exomes below 0.00001.
gnomAD v4.1: 5 of 1,563,610 alleles (0.00032%); highest among the groups gnomAD compares: Middle Eastern, 0.018%; no homozygotes.

Submission:

Ambry Genetics
Classification: Uncertain significance. Last evaluated: 2024-03-10. Review status: criteria provided, single submitter. Criteria: Ambry Variant Classification Scheme 2023. Collection method: clinical testing. Allele origin: germline.
Comment: The p.A70V variant (also known as c.209C>T), located in coding exon 1 of the TERF2IP gene, results from a C to T substitution at nucleotide position 209. The alanine at codon 70 is replaced by valine, an amino acid with similar properties. This amino acid position is conserved. In addition, this alteration is predicted to be tolerated by in silico analysis. Since supporting evidence is limited at this time, the clinical significance of this alteration remains unclear.